The following is an entry in ClinVar:

NM_000900.5(MGP):c.139C>G (p.Gln47Glu)

Gene: MGP (matrix Gla protein; minus strand). Cytogenetic location: 12p12.3.
Variant type: single nucleotide variant.
Coding change: c.139C>G on transcript NM_000900.5 (MANE Select); coding-DNA position 139, C replaced by G.
Protein change: p.Gln47Glu; replaces glutamine 47 with glutamic acid.
Molecular consequence: missense variant.
Genome position (GRCh38, 1-based): chr12:14,883,003, G>C on the plus strand (C>G on the coding strand, the complement: MGP is on the minus strand). VCF-style: chr12-14883003-G-C. GRCh37 (hg19) VCF-style: chr12-15035937-G-C.
Other names: c.214C>G, p.Gln72Glu (NM_001190839.3); short protein forms Q47E, Q72E.
Identifiers: ClinVar variation 2098373 (VCV002098373.5), dbSNP rs2497468259, ClinGen allele CA384020013.

ClinVar aggregate classification (germline): Uncertain significance. Review status: criteria provided, multiple submitters, no conflicts (2 of 4 stars). 2 submissions from 2 submitters: Uncertain significance (2). Last evaluated 2022-02-18.

Allele frequency attached by ClinVar (database versions not stated): gnomAD exomes below 0.00001.
gnomAD v4.1: 1 of 1,612,822 alleles (0.000062%); highest among the groups gnomAD compares: Admixed American, 0.0017%; no homozygotes.

Submissions (2):

Labcorp Genetics (formerly Invitae), Labcorp
Classification: Uncertain significance. Last evaluated: 2022-02-18. Review status: criteria provided, single submitter. Criteria: Invitae Variant Classification Sherloc (09022015). Collection method: clinical testing. Allele origin: germline.
Comment: Algorithms developed to predict the effect of missense changes on protein structure and function (SIFT, PolyPhen-2, Align-GVGD) all suggest that this variant is likely to be tolerated. This sequence change replaces glutamine, which is neutral and polar, with glutamic acid, which is acidic and polar, at codon 47 of the MGP protein (p.Gln47Glu). This variant is not present in population databases (gnomAD no frequency). This variant has not been reported in the literature in individuals affected with MGP-related conditions. In summary, the available evidence is currently insufficient to determine the role of this variant in disease. Therefore, it has been classified as a Variant of Uncertain Significance.

Blueprint Genetics
Classification: Uncertain significance. Last evaluated: 2021-09-01. Review status: criteria provided, single submitter. Criteria: ACMG Guidelines, 2015. Collection method: clinical testing. Allele origin: germline.